The following is an entry in ClinVar:

NM_001458.5(FLNC):c.2950C>T (p.Gln984Ter)

Gene: FLNC (filamin C; plus strand). Cytogenetic location: 7q32.1.
Variant type: single nucleotide variant.
Coding change: c.2950C>T on transcript NM_001458.5 (MANE Select); coding-DNA position 2950, C replaced by T.
Protein change: p.Gln984Ter; replaces glutamine 984 with a stop codon.
Molecular consequence: nonsense.
Genome position (GRCh38, 1-based): chr7:128,844,024, C>T. VCF-style: chr7-128844024-C-T. GRCh37 (hg19) VCF-style: chr7-128484078-C-T.
Other names: c.2950C>T, p.Gln984Ter (NM_001127487.2); short protein forms Q984*.
Identifiers: ClinVar variation 936719 (VCV000936719.8), dbSNP rs769865678, ClinGen allele CA369193695.

ClinVar aggregate classification (germline): Pathogenic (1 of 4 stars; one submission).

Conditions:
Myofibrillar myopathy 5. Also called: Filaminopathy (type); FILAMINOPATHY, AUTOSOMAL DOMINANT. Identifiers: Orphanet 171445, MedGen C1836050, MONDO:0012289, OMIM 609524.
Hypertrophic cardiomyopathy 26. Also called: Cardiomyopathy, familial hypertrophic, 26. Identifiers: Orphanet 75249, MedGen C4310749, MONDO:0014883, OMIM 617047.
Distal myopathy with posterior leg and anterior hand involvement. Also called: WILLIAMS DISTAL MYOPATHY. Identifiers: Orphanet 63273, MedGen C3279722, MONDO:0013550, OMIM 614065.

Submission:

Labcorp Genetics (formerly Invitae), Labcorp
Classification: Pathogenic for Distal myopathy with posterior leg and anterior hand involvement; Myofibrillar myopathy 5; Hypertrophic cardiomyopathy 26. Last evaluated: 2024-03-11. Review status: criteria provided, single submitter. Criteria: Invitae Variant Classification Sherloc (09022015). Collection method: clinical testing. Allele origin: germline.
Comment: This sequence change creates a premature translational stop signal (p.Gln984*) in the FLNC gene. It is expected to result in an absent or disrupted protein product. Loss-of-function variants in FLNC are known to be pathogenic (PMID: 27908349). This variant is not present in population databases (gnomAD no frequency). This variant has not been reported in the literature in individuals affected with FLNC-related conditions. ClinVar contains an entry for this variant (Variation ID: 936719). For these reasons, this variant has been classified as Pathogenic.

Literature cited by the submitters: PubMed 27908349.